The following is an entry in ClinVar:

NM_006744.4(RBP4):c.295G>A (p.Glu99Lys)

Gene: RBP4 (retinol binding protein 4; minus strand). Cytogenetic location: 10q23.33.
Variant type: single nucleotide variant.
Coding change: c.295G>A on transcript NM_006744.4 (MANE Select); coding-DNA position 295, G replaced by A.
Protein change: p.Glu99Lys; replaces glutamic acid 99 with lysine.
Molecular consequence: missense variant.
Genome position (GRCh38, 1-based): chr10:93,600,453, C>T on the plus strand (G>A on the coding strand, the complement: RBP4 is on the minus strand). VCF-style: chr10-93600453-C-T. GRCh37 (hg19) VCF-style: chr10-95360210-C-T.
Other names: c.295G>A, p.Glu99Lys (NM_001323517.1); c.289G>A, p.Glu97Lys (NM_001323518.2); short protein forms E97K, E99K.
Identifiers: ClinVar variation 1525829 (VCV001525829.9), dbSNP rs201407285, ClinGen allele CA5609600.

ClinVar aggregate classification (germline): Uncertain significance. Review status: criteria provided, multiple submitters, no conflicts (2 of 4 stars). 2 submissions from 2 submitters: Uncertain significance (2). Last evaluated 2024-10-23.

Allele frequency attached by ClinVar (database versions not stated): gnomAD 0.00002 and 0.00003; TOPMed 0.00004; ExAC 0.00007; gnomAD exomes 0.00008; 1000 Genomes Project 30x 0.00016; 1000 Genomes Project 0.00020.
gnomAD v4.1: 38 of 1,614,122 alleles (0.0024%); highest among the groups gnomAD compares: East Asian, 0.076%; no homozygotes.

Submissions (2):

Blueprint Genetics
Classification: Uncertain significance. Last evaluated: 2024-10-23. Review status: criteria provided, single submitter. Criteria: ACMG Guidelines, 2015. Collection method: clinical testing. Allele origin: germline.

Labcorp Genetics (formerly Invitae), Labcorp
Classification: Uncertain significance. Last evaluated: 2024-08-10. Review status: criteria provided, single submitter. Criteria: Invitae Variant Classification Sherloc (09022015). Collection method: clinical testing. Allele origin: germline.
Comment: This sequence change replaces glutamic acid, which is acidic and polar, with lysine, which is basic and polar, at codon 99 of the RBP4 protein (p.Glu99Lys). The frequency data for this variant in the population databases is considered unreliable, as metrics indicate poor data quality at this position in the gnomAD database. This variant has not been reported in the literature in individuals affected with RBP4-related conditions. ClinVar contains an entry for this variant (Variation ID: 1525829). An algorithm developed to predict the effect of missense changes on protein structure and function (PolyPhen-2) suggests that this variant is likely to be tolerated. In summary, the available evidence is currently insufficient to determine the role of this variant in disease. Therefore, it has been classified as a Variant of Uncertain Significance.